The following is an entry in ClinVar:

ClinVar aggregate classification (germline): Uncertain significance (1 of 4 stars; one submission).

Conditions:
Early Myoclonic Encephalopathy. Identifiers: MedGen C0270855.

gnomAD v4.1: 2 of 1,613,542 alleles (0.00012%); highest among the groups gnomAD compares: Admixed American, 0.0017%; no homozygotes.

Submission:

Labcorp Genetics (formerly Invitae), Labcorp
Classification: Uncertain significance for Early Myoclonic Encephalopathy. Last evaluated: 2025-09-05. Review status: criteria provided, single submitter. Criteria: Invitae Variant Classification Sherloc (09022015). Collection method: clinical testing. Allele origin: germline.
Comment: This sequence change creates a premature translational stop signal (p.Arg418*) in the KCND2 gene. It is expected to result in an absent or disrupted protein product. However, the current clinical and genetic evidence is not sufficient to establish whether loss-of-function variants in KCND2 cause disease. This variant is present in population databases (rs748699001, gnomAD 0.003%). This variant has not been reported in the literature in individuals affected with KCND2-related conditions. In summary, the available evidence is currently insufficient to determine the role of this variant in disease. Therefore, it has been classified as a Variant of Uncertain Significance.

NM_012281.3(KCND2):c.1252C>T (p.Arg418Ter)

Gene: KCND2 (potassium voltage-gated channel subfamily D member 2; plus strand). Cytogenetic location: 7q31.31.
Variant type: single nucleotide variant.
Coding change: c.1252C>T on transcript NM_012281.3 (MANE Select); coding-DNA position 1252, C replaced by T.
Protein change: p.Arg418Ter; replaces arginine 418 with a stop codon.
Molecular consequence: nonsense.
Genome position (GRCh38, 1-based): chr7:120,733,039, C>T. VCF-style: chr7-120733039-C-T. GRCh37 (hg19) VCF-style: chr7-120373093-C-T.
Other names: short protein forms R418*.
Identifiers: ClinVar variation 4772189 (VCV004772189.1).
Genomic context (GRCh38, chr7:120,733,039, plus strand): 5'-ATTGCTCTACCTGTTCCGGTGATTGTATCCAACTTCAGTCGCATCTACCACCAGAATCAA[C>T]GAGCAGACAAACGAAGGGCACAAAAGGTGCGTATTCAACTCCGTGCAACCATGGTTTAGC-3'